The following is an entry in ClinVar:

NM_002834.5(PTPN11):c.*801C>T

Gene: PTPN11 (protein tyrosine phosphatase non-receptor type 11; plus strand). Cytogenetic location: 12q24.13.
Variant type: single nucleotide variant.
Coding change: c.*801C>T on transcript NM_002834.5 (MANE Select); 801 bases downstream of the stop codon, C replaced by T.
Molecular consequence: 3 prime UTR variant.
Genome position (GRCh38, 1-based): chr12:112,506,593, C>T. VCF-style: chr12-112506593-C-T. GRCh37 (hg19) VCF-style: chr12-112944397-C-T.
Other names: c.*801C>T (NM_001330437.2, NM_001374625.1).
Identifiers: ClinVar variation 882350 (VCV000882350.4), dbSNP rs138246203, ClinGen allele CA13601981.
Genomic context (GRCh38, chr12:112,506,593, plus strand): 5'-ATTTGAATAATTGTCTTGTACTTAGAAAAAAGGCGTCTATGAATGACCAGTGTTTTTGGT[C>T]GCCAAATGTTGCTGACAAACTTATCCCAAAACTTTAGTGGCTTAAAAAAACCTGCCCCCA-3'

ClinVar aggregate classification (germline): Benign/Likely benign. Review status: criteria provided, single submitter (1 of 4 stars). 3 submissions from 1 submitter: Benign (2); Likely benign (1). Last evaluated 2018-01-13.

Conditions:
Metachondromatosis (METCDS). Identifiers: Orphanet 2499, MedGen C0410530, MONDO:0007979, OMIM 156250.
Noonan syndrome 1 (NS1). Also called: TURNER PHENOTYPE WITH NORMAL KARYOTYPE; FEMALE PSEUDO-TURNER SYNDROME; PTPN11-Related Noonan Syndrome. Identifiers: Orphanet 648, MedGen C4551602, MONDO:0008104, OMIM 163950. Disease mechanism: gain of function.
LEOPARD syndrome 1 (LPRD1). Also called: LENTIGINOSIS, CARDIOMYOPATHIC; MULTIPLE LENTIGINES SYNDROME; PTPN11-Related LEOPARD Syndrome. Identifiers: Orphanet 500, MedGen C4551484, MONDO:0100082, OMIM 151100.

Allele frequency attached by ClinVar (database versions not stated): 1000 Genomes Project 30x 0.00484; 1000 Genomes Project 0.00559; TOPMed 0.00778; gnomAD 0.01239 and 0.01271.

Submissions (3):

Illumina Laboratory Services, Illumina
Classification: Benign for LEOPARD syndrome 1. Last evaluated: 2018-01-13. Review status: criteria provided, single submitter. Criteria: ICSL Variant Classification Criteria 13 December 2019. Collection method: clinical testing. Allele origin: germline.
Comment: This variant was observed in the ICSL laboratory as part of a predisposition screen in an ostensibly healthy population. It had not been previously curated by ICSL or reported in the Human Gene Mutation Database (HGMD: prior to June 1st, 2018), and was therefore a candidate for classification through an automated scoring system. Utilizing variant allele frequency, disease prevalence and penetrance estimates, and inheritance mode, an automated score was calculated to assess if this variant is too frequent to cause the disease. Based on the score and internal cut-off values, a variant classified as benign is not then subjected to further curation. The score for this variant resulted in a classification of benign for this disease.

Illumina Laboratory Services, Illumina
Classification: Likely benign for Noonan syndrome 1. Last evaluated: 2018-01-13. Review status: criteria provided, single submitter. Criteria: ICSL Variant Classification Criteria 13 December 2019. Collection method: clinical testing. Allele origin: germline.
Comment: This variant was observed in the ICSL laboratory as part of a predisposition screen in an ostensibly healthy population. It had not been previously curated by ICSL or reported in the Human Gene Mutation Database (HGMD: prior to June 1st, 2018), and was therefore a candidate for classification through an automated scoring system. Utilizing variant allele frequency, disease prevalence and penetrance estimates, and inheritance mode, an automated score was calculated to assess if this variant is too frequent to cause the disease. Based on the score and internal cut-off values, a variant classified as likely benign is not then subjected to further curation. The score for this variant resulted in a classification of likely benign for this disease.

Illumina Laboratory Services, Illumina
Classification: Benign for Metachondromatosis. Last evaluated: 2018-01-13. Review status: criteria provided, single submitter. Criteria: ICSL Variant Classification Criteria 13 December 2019. Collection method: clinical testing. Allele origin: germline.
Comment: the same text as in the submission from Illumina Laboratory Services, Illumina above.